The following is an entry in ClinVar:

NM_001204.7(BMPR2):c.7T>C (p.Ser3Pro)

Gene: BMPR2 (bone morphogenetic protein receptor type 2; plus strand). Cytogenetic location: 2q33.1.
Variant type: single nucleotide variant.
Coding change: c.7T>C on transcript NM_001204.7 (MANE Select); coding-DNA position 7, T replaced by C.
Protein change: p.Ser3Pro; replaces serine 3 with proline.
Molecular consequence: missense variant.
Genome position (GRCh38, 1-based): chr2:202,377,481, T>C. VCF-style: chr2-202377481-T-C. GRCh37 (hg19) VCF-style: chr2-203242204-T-C.
Other names: short protein forms S3P.
Identifiers: ClinVar variation 3992222 (VCV003992222.1).

ClinVar aggregate classification (germline): Uncertain significance (1 of 4 stars; one submission).

Conditions:
Inborn genetic diseases. Identifiers: MedGen C0950123, MeSH D030342.

gnomAD v4.1: 1 of 1,614,260 alleles (0.000062%); highest among the groups gnomAD compares: Admixed American, 0.0017%; no homozygotes.

Submission:

Ambry Genetics
Classification: Uncertain significance for Inborn genetic diseases. Last evaluated: 2025-06-06. Review status: criteria provided, single submitter. Criteria: Ambry Variant Classification Scheme 2023. Collection method: clinical testing. Allele origin: germline.
Comment: The p.S3P variant (also known as c.7T>C), located in coding exon 1 of the BMPR2 gene, results from a T to C substitution at nucleotide position 7. The serine at codon 3 is replaced by proline, an amino acid with similar properties. This amino acid position is conserved. In addition, this alteration is predicted to be tolerated by in silico analysis. Based on the available evidence, the clinical significance of this variant remains unclear.